The following is an entry in ClinVar:

NM_003793.4(CTSF):c.593_594del (p.Thr197_Tyr198insTer)

Gene: CTSF (cathepsin F; minus strand). Cytogenetic location: 11q13.2.
Variant type: Microsatellite.
Coding change: c.593_594del on transcript NM_003793.4 (MANE Select); coding-DNA positions 593 to 594, 2 bases deleted (AT; older notation c.593_594delAT).
Protein change: p.Thr197_Tyr198insTer.
Molecular consequence: nonsense.
Genome position (GRCh38, 1-based): chr11:66,567,259-66,567,260, AT deleted on the plus strand (AT on the coding strand, the reverse complement: CTSF is on the minus strand); deleting any 2 consecutive bases within chr11:66,567,259-66,567,262 gives the same sequence; the c. name uses the placement nearest the transcript's 3' end. VCF-style (leftmost placement, unchanged base first): chr11-66567258-CAT-C. GRCh37 (hg19) VCF-style: chr11-66334729-CAT-C.
Other names: c.593_594delAT (NM_003793.4).
Identifiers: ClinVar variation 3366554 (VCV003366554.1).

ClinVar aggregate classification (germline): Pathogenic (1 of 4 stars; one submission).

Conditions:
Neuronal ceroid lipofuscinosis. Also called: Neuronal Ceroid Lipofuscinoses. Identifiers: Orphanet 216, Orphanet 79263, MedGen C0027877, MONDO:0016295. Disease mechanism: loss of function.

Submission:

Women's Health and Genetics/Laboratory Corporation of America, LabCorp
Classification: Pathogenic for Neuronal ceroid lipofuscinosis. Last evaluated: 2024-08-01. Review status: criteria provided, single submitter. Criteria: LabCorp Variant Classification Summary - May 2015. Collection method: clinical testing. Allele origin: germline.
Comment: Variant summary: CTSF c.593_594delAT (p.Tyr198X) results in a premature termination codon, predicted to cause a truncation of the encoded protein or absence of the protein due to nonsense mediated decay, which are commonly known mechanisms for disease. The variant was absent in 251482 control chromosomes. To our knowledge, no occurrence of c.593_594delAT in individuals affected with Neuronal Ceroid-Lipofuscinosis (Batten Disease) has been reported. No submitters have cited clinical-significance assessments for this variant to ClinVar. Based on the evidence outlined above, the variant was classified as pathogenic.